The following is an entry in ClinVar:

ClinVar aggregate classification (germline): Likely pathogenic (1 of 4 stars; one submission).

Conditions:
Primary ciliary dyskinesia 15. Also called: CILIARY DYSKINESIA, PRIMARY, 15, WITH OR WITHOUT SITUS INVERSUS. Identifiers: Orphanet 244, MedGen C3151137, MONDO:0013435, OMIM 613808.

Submission:

Centre for Mendelian Genomics, University Medical Centre Ljubljana
Classification: Likely pathogenic for Primary ciliary dyskinesia 15. Last evaluated: 2016-01-01. Review status: criteria provided, single submitter. Criteria: ACMG Guidelines, 2015. Collection method: clinical testing. Allele origin: unknown. Affected: yes.
Comment: This variant was classified as: Likely pathogenic. The following ACMG criteria were applied in classifying this variant: PVS1,PM2.

NM_017950.4(CCDC40):c.298del (p.Thr100fs)

Gene: CCDC40 (coiled-coil domain 40 molecular ruler complex subunit; plus strand). Cytogenetic location: 17q25.3.
Variant type: Deletion.
Coding change: c.298del on transcript NM_017950.4 (MANE Select); coding-DNA position 298, one base deleted (A; older notation c.298delA).
Protein change: p.Thr100fs; shifts the reading frame from threonine 100.
Molecular consequence: frameshift variant.
Genome position (GRCh38, 1-based): chr17:80,040,016, A deleted; the last of 3 consecutive A bases (chr17:80,040,014-80,040,016); deleting any one gives the same sequence. VCF-style (leftmost placement, unchanged base first): chr17-80040013-GA-G. GRCh37 (hg19) VCF-style: chr17-78013812-GA-G.
Other names: c.298del, p.Thr100fs (NM_001243342.2, NM_001330508.2); short protein forms T100fs.
Identifiers: ClinVar variation 931392 (VCV000931392.3), dbSNP rs2037232562, ClinGen allele CA1139665918.